The following is an entry in ClinVar:

NM_004629.2(FANCG):c.494C>A (p.Thr165Asn)

Gene: FANCG (FA complementation group G; minus strand). Cytogenetic location: 9p13.3.
Variant type: single nucleotide variant.
Coding change: c.494C>A on transcript NM_004629.2 (MANE Select); coding-DNA position 494, C replaced by A.
Protein change: p.Thr165Asn; replaces threonine 165 with asparagine.
Molecular consequence: missense variant.
Genome position (GRCh38, 1-based): chr9:35,078,157, G>T on the plus strand (C>A on the coding strand, the complement: FANCG is on the minus strand). VCF-style: chr9-35078157-G-T. GRCh37 (hg19) VCF-style: chr9-35078154-G-T.
Other names: short protein forms T165N.
Identifiers: ClinVar variation 4619398 (VCV004619398.1).

ClinVar aggregate classification (germline): Uncertain significance (1 of 4 stars; one submission).

Conditions:
Inborn genetic diseases. Identifiers: MedGen C0950123, MeSH D030342.

Submission:

Ambry Genetics
Classification: Uncertain significance for Inborn genetic diseases. Last evaluated: 2025-12-03. Review status: criteria provided, single submitter. Criteria: Ambry Variant Classification Scheme 2023. Collection method: clinical testing. Allele origin: germline.
Comment: The p.T165N variant (also known as c.494C>A), located in coding exon 4 of the FANCG gene, results from a C to A substitution at nucleotide position 494. The threonine at codon 165 is replaced by asparagine, an amino acid with similar properties. This amino acid position is conserved. In addition, this alteration is predicted to be tolerated by in silico analysis. Based on the available evidence, the clinical significance of this variant remains unclear.